The following is an entry in ClinVar:

ClinVar aggregate classification (germline): Uncertain significance. Review status: criteria provided, multiple submitters, no conflicts (2 of 4 stars). 3 submissions from 3 submitters: Uncertain significance (2). 1 of the submissions does not count toward it. Last evaluated 2026-08-21.

Conditions:
SEMA3E-related disorder. Also called: SEMA3E-related condition.
CHARGE syndrome (CHARGE). Also called: Hittner Hirsch Kreh syndrome; CHARGE ASSOCIATION--COLOBOMA, HEART ANOMALY, CHOANAL ATRESIA, RETARDATION, GENITAL AND EAR ANOMALIES; Coloboma, heart anomaly, choanal atresia, retardation, genital and ear anomalies; CHARGE association; Hall-Hittner syndrome. Identifiers: Orphanet 138, MedGen C0265354, MONDO:0008965.

Allele frequency attached by ClinVar (database versions not stated): ExAC 0.00007; ESP Exome Variant Server 0.00008; gnomAD exomes 0.00008; TOPMed 0.00008; gnomAD 0.00011.

Submissions (3):

GeneDx
Classification: Uncertain significance. Last evaluated: 2026-08-21. Review status: criteria provided, single submitter. Criteria: GeneDx Variant Classification Process June 2021. Collection method: clinical testing. Allele origin: germline.
Comment: Identified in a patient with hypothalamic amenorrhea, but additional evidence was not available (PMID: 32870266); In silico analysis suggests that this missense variant does not alter protein structure/function; Variants in candidate genes are classified as variants of uncertain significance in accordance with ACMG guidelines (PMID: 25741868); This variant is associated with the following publications: (PMID: 32870266)

Labcorp Genetics (formerly Invitae), Labcorp
Classification: Uncertain significance for CHARGE syndrome. Last evaluated: 2026-02-01. Review status: criteria provided, single submitter. Criteria: Invitae Variant Classification Sherloc (09022015). Collection method: clinical testing. Allele origin: germline.
Comment: This sequence change replaces aspartic acid, which is acidic and polar, with asparagine, which is neutral and polar, at codon 580 of the SEMA3E protein (p.Asp580Asn). This variant is present in population databases (rs201699077, gnomAD 0.02%). This variant has not been reported in the literature in individuals affected with SEMA3E-related conditions. ClinVar contains an entry for this variant (Variation ID: 1188443). An algorithm developed to predict the effect of missense changes on protein structure and function (PolyPhen-2) suggests that this variant is likely to be tolerated. In summary, the available evidence is currently insufficient to determine the role of this variant in disease. Therefore, it has been classified as a Variant of Uncertain Significance.

PreventionGenetics, part of Exact Sciences
Classification: Uncertain significance for SEMA3E-related condition. Last evaluated: 2024-06-26. Review status: no assertion criteria provided. Collection method: clinical testing. Allele origin: germline. Not counted in ClinVar's aggregate classification.
Comment: The SEMA3E c.1738G>A variant is predicted to result in the amino acid substitution p.Asp580Asn. This variant was reported in an individual with hypothalamic amenorrhea; however, no functional or familial segregation studies were done to support its pathogenicity (Delaney et al. 2021. PubMed ID: 32870266). This variant is reported in 0.016% of alleles in individuals of European (Non-Finnish) descent in gnomAD. Although we suspect that this variant may be benign, at this time, the clinical significance of this variant is uncertain due to the absence of conclusive functional and genetic evidence.

NM_012431.3(SEMA3E):c.1738G>A (p.Asp580Asn)

Gene: SEMA3E (semaphorin 3E; minus strand). Cytogenetic location: 7q21.11.
Variant type: single nucleotide variant.
Coding change: c.1738G>A on transcript NM_012431.3 (MANE Select); coding-DNA position 1738, G replaced by A.
Protein change: p.Asp580Asn; replaces aspartic acid 580 with asparagine.
Molecular consequence: missense variant.
Genome position (GRCh38, 1-based): chr7:83,385,431, C>T on the plus strand (G>A on the coding strand, the complement: SEMA3E is on the minus strand). VCF-style: chr7-83385431-C-T. GRCh37 (hg19) VCF-style: chr7-83014747-C-T.
Other names: c.1558G>A, p.Asp520Asn (NM_001178129.2); short protein forms D520N, D580N.
Identifiers: ClinVar variation 1188443 (VCV001188443.11), dbSNP rs201699077, ClinGen allele CA4321910.